The following is an entry in ClinVar:

NM_000128.4(F11):c.802C>T (p.Arg268Cys)

Gene: F11 (coagulation factor XI; plus strand). Cytogenetic location: 4q35.2.
Variant type: single nucleotide variant.
Coding change: c.802C>T on transcript NM_000128.4 (MANE Select); coding-DNA position 802, C replaced by T.
Protein change: p.Arg268Cys; replaces arginine 268 with cysteine.
Molecular consequence: missense variant.
Genome position (GRCh38, 1-based): chr4:186,280,058, C>T. VCF-style: chr4-186280058-C-T. GRCh37 (hg19) VCF-style: chr4-187201212-C-T.
Other names: p.Arg268Cys; short protein forms R268C.
Identifiers: ClinVar variation 627142 (VCV000627142.6), dbSNP rs763496524, ClinGen allele CA3163785.

ClinVar aggregate classification (germline): Conflicting classifications of pathogenicity. Review status: criteria provided, conflicting classifications (1 of 4 stars). 5 submissions from 5 submitters: Pathogenic (1); Likely pathogenic (3); Uncertain significance (1). Last evaluated 2025-11-09.

Conditions:
Plasma factor XI deficiency.
Hereditary factor XI deficiency disease. Also called: Congenital factor XI deficiency; PLASMA THROMBOPLASTIN ANTECEDENT DEFICIENCY; PTA DEFICIENCY; ROSENTHAL SYNDROME. Identifiers: Orphanet 329, MedGen C0015523, MeSH D005173, MONDO:0012897, OMIM 612416.

Allele frequency attached by ClinVar (database versions not stated): ExAC 0.00005; gnomAD 0.00005; TOPMed 0.00007; gnomAD exomes 0.00008.
gnomAD v4.1: 58 of 1,613,988 alleles (0.0036%); highest among the groups gnomAD compares: Admixed American, 0.03%; no homozygotes.

Submissions (5):

Natera, Inc.
Classification: Likely pathogenic for Plasma factor XI deficiency. Last evaluated: 2025-11-09. Review status: criteria provided, single submitter. Criteria: Natera Variant Classification Schema (03/2026). Collection method: clinical testing. Allele origin: germline.
Comment: The c.802C>T variant in F11 is a missense variant predicted to cause substitution of arginine to cysteine at amino acid 268. This variant is rare in the general population with a frequency below the threshold expected for the associated phenotype(s). This variant has been observed in one or more individuals affected with the associated recessive disease, as either homozygous or compound heterozygous with a second variant (PMID: 38387429). This variant has been observed in affected individual(s) with monoallelic occurrence (heterozygous/hemizygous) (PMID: 38387429, 16835901, 34597376, 38003459). Computational prediction algorithms indicate this variant is likely to affect gene or protein function. Given the available evidence, this variant is classified as Likely Pathogenic.

Labcorp Genetics (formerly Invitae), Labcorp
Classification: Likely pathogenic. Last evaluated: 2025-07-30. Review status: criteria provided, single submitter. Criteria: Invitae Variant Classification Sherloc (09022015). Collection method: clinical testing. Allele origin: germline.
Comment: This sequence change replaces arginine, which is basic and polar, with cysteine, which is neutral and slightly polar, at codon 268 of the F11 protein (p.Arg268Cys). This variant is present in population databases (rs763496524, gnomAD 0.03%). This missense change has been observed in individuals with autosomal recessive factor XI deficiency (PMID: 16835901, 28960694, 31064749, 34597376, 38387429). This variant is also known as Arg250Cys. ClinVar contains an entry for this variant (Variation ID: 627142). Invitae Evidence Modeling of protein sequence and biophysical properties (such as structural, functional, and spatial information, amino acid conservation, physicochemical variation, residue mobility, and thermodynamic stability) has been performed for this missense variant. However, the output from this modeling did not meet the statistical confidence thresholds required to predict the impact of this variant on F11 protein function. This variant disrupts the p.Arg268 amino acid residue in F11. Other variant(s) that disrupt this residue have been observed in individuals with F11-related conditions (PMID: 18446632), which suggests that this may be a clinically significant amino acid residue. In summary, the currently available evidence indicates that the variant is pathogenic, but additional data are needed to prove that conclusively. Therefore, this variant has been classified as Likely Pathogenic.

Mayo Clinic Laboratories, Mayo Clinic
Classification: Likely pathogenic. Last evaluated: 2024-11-29. Review status: criteria provided, single submitter. Criteria: ACMG Guidelines, 2015. Collection method: clinical testing. Allele origin: germline. Observed: 2 variant alleles.
Comment: PM1, PM2_supporting, PM3, PS4_moderate

Department of Pathology and Laboratory Medicine, Sinai Health System
Classification: Uncertain significance for Hereditary factor XI deficiency disease. Last evaluated: 2022-12-18. Review status: criteria provided, single submitter. Criteria: ACMG Guidelines, 2015. Collection method: research. Allele origin: germline.

NIHR Bioresource Rare Diseases, University of Cambridge
Classification: Pathogenic for Hereditary factor XI deficiency disease. Last evaluated: 2019-02-01. Review status: criteria provided, single submitter. Criteria: ACMG Guidelines, 2015. Collection method: research. Allele origin: unknown. Affected: yes. Observed: 1 compound heterozygote. Study: ThromboGenomics.

Literature cited by the submitters: PubMed 38387429 (cited by 3 submitters); PubMed 16835901 (cited by 3 submitters); PubMed 34597376 (cited by 3 submitters); PubMed 38003459 (cited by Natera, Inc.); PubMed 28960694 (cited by Labcorp Genetics (formerly Invitae), Labcorp and Mayo Clinic Laboratories, Mayo Clinic); PubMed 31064749 (cited by 3 submitters); PubMed 18446632 (cited by Labcorp Genetics (formerly Invitae), Labcorp); PubMed 10630991 (cited by Mayo Clinic Laboratories, Mayo Clinic); PubMed 15634276 (cited by Mayo Clinic Laboratories, Mayo Clinic); PubMed 29367083 (cited by Mayo Clinic Laboratories, Mayo Clinic).